The following is an entry in ClinVar:

NM_024652.6(LRRK1):c.73G>T (p.Glu25Ter)

Gene: LRRK1 (leucine rich repeat kinase 1; plus strand). Cytogenetic location: 15q26.3.
Variant type: single nucleotide variant.
Coding change: c.73G>T on transcript NM_024652.6 (MANE Select); coding-DNA position 73, G replaced by T.
Protein change: p.Glu25Ter; replaces glutamic acid 25 with a stop codon.
Molecular consequence: nonsense.
Genome position (GRCh38, 1-based): chr15:100,924,705, G>T. VCF-style: chr15-100924705-G-T. GRCh37 (hg19) VCF-style: chr15-101464910-G-T.
Other names: short protein forms E25*.
Identifiers: ClinVar variation 2031900 (VCV002031900.4), dbSNP rs1342350922, ClinGen allele CA393949809.
Genomic context (GRCh38, chr15:100,924,705, plus strand): 5'-TCGCAAAGACCCCCCAGCATGTACTGGTGTGTGGGGCCGGAGGAGTCAGCTGTGTGTCCA[G>T]AACGTGCCATGGAGACGCTTAACGGTAAGGACAGGGCTGTGCTTATGCCTGCCTGGGTGT-3'

ClinVar aggregate classification (germline): Pathogenic (1 of 4 stars; one submission).

Submission:

Labcorp Genetics (formerly Invitae), Labcorp
Classification: Pathogenic. Last evaluated: 2024-04-03. Review status: criteria provided, single submitter. Criteria: Invitae Variant Classification Sherloc (09022015). Collection method: clinical testing. Allele origin: germline.
Comment: This sequence change creates a premature translational stop signal (p.Glu25*) in the LRRK1 gene. It is expected to result in an absent or disrupted protein product. Loss-of-function variants in LRRK1 are known to be pathogenic (PMID: 23526378, 31571209, 32119750). This variant is not present in population databases (gnomAD no frequency). This variant has not been reported in the literature in individuals affected with LRRK1-related conditions. ClinVar contains an entry for this variant (Variation ID: 2031900). For these reasons, this variant has been classified as Pathogenic.

Literature cited by the submitters: PubMed 23526378; PubMed 31571209; PubMed 32119750.